The following is an entry in ClinVar:

NM_000059.4(BRCA2):c.1114A>C (p.Asn372His)

Gene: BRCA2 (BRCA2 DNA repair associated; plus strand). Cytogenetic location: 13q13.1.
Variant type: single nucleotide variant.
Coding change: c.1114A>C on transcript NM_000059.4 (MANE Select); coding-DNA position 1114, A replaced by C.
Protein change: p.Asn372His; replaces asparagine 372 with histidine.
Molecular consequence: missense variant.
Genome position (GRCh38, 1-based): chr13:32,332,592, A>C. VCF-style: chr13-32332592-A-C. GRCh37 (hg19) VCF-style: chr13-32906729-A-C.
Other names: 1342 A>C; NP_000050.3:p.Asn372His; short protein forms N372H.
Identifiers: ClinVar variation 9329 (VCV000009329.101), dbSNP rs144848, ClinGen allele CA010835.

ClinVar aggregate classification (germline): Benign. Review status: reviewed by expert panel (3 of 4 stars). 41 submissions from 39 submitters: Benign (1). 40 of the submissions do not count toward it. Last evaluated 2015-01-12.

Conditions:
BRCA2-related cancer predisposition. Identifiers: MedGen CN377758, MONDO:0700269.
Hereditary cancer-predisposing syndrome. Also called: Hereditary neoplastic syndrome; Hereditary Cancer Syndrome; Tumor predisposition; Neoplastic Syndromes, Hereditary. Identifiers: Orphanet 140162, MedGen C0027672, MeSH D009386, MONDO:0015356.
Breast ductal adenocarcinoma. Also called: Ductal breast carcinoma; Breast cancer, invasive ductal. Identifiers: MedGen C1527349, MONDO:0005590.
Glioma susceptibility 3 (GLM3). Also called: Glioblastoma 3. Identifiers: Orphanet 182067, Orphanet 360, MedGen C2751641, MONDO:0013093, OMIM 613029.
Prostate cancer. Also called: Malignant tumor of prostate. Identifiers: Orphanet 1331, MedGen C0376358, MONDO:0008315, HP:0012125.
Breast-ovarian cancer, familial, susceptibility to, 2 (BROVCA2). Also called: BRCA2 Hereditary Breast and Ovarian Cancer. Identifiers: Orphanet 145, MedGen C2675520, MONDO:0012933, OMIM 612555. Disease mechanism: loss of function.
Wilms tumor 1 (WT1). Also called: Wilms tumor, somatic. Identifiers: Orphanet 654, MedGen CN033288, MONDO:0008679, OMIM 194070.
Medulloblastoma (MDB). Also called: MEDULLOBLASTOMA PREDISPOSITION SYNDROME; Medulloblastoma, somatic. Identifiers: Orphanet 616, MedGen C0025149, MeSH D008527, MONDO:0007959, OMIM 155255, HP:0002885.
Fanconi anemia complementation group D1. Also called: BRCA2-Related Fanconi Anemia. Identifiers: Orphanet 319462, MedGen C1838457, MONDO:0011584, OMIM 605724.
Familial cancer of breast. Also called: Hereditary breast cancer; hereditary breast carcinoma; BREAST CANCER, FAMILIAL. Identifiers: Orphanet 227535, MedGen C0346153, MONDO:0016419, OMIM 114480. Disease mechanism: loss of function.
Pancreatic cancer, susceptibility to, 2. Identifiers: Orphanet 1333, MedGen C3150546, MONDO:0013235, OMIM 613347.
Hereditary breast ovarian cancer syndrome. Also called: Breast and ovarian cancer; Hereditary breast and/or ovarian cancer syndrome; Hereditary breast and ovarian cancer; Hereditary breast and ovarian cancer syndrome; BRCA1- and BRCA2-Associated Hereditary Breast and Ovarian Cancer; Hereditary breast and ovarian cancer syndrome (HBOC). Identifiers: Orphanet 145, MedGen C0677776, MeSH D061325, MONDO:0003582. Disease mechanism: loss of function.
Breast carcinoma. Also called: Carcinoma of breast. Identifiers: MedGen C0678222, MONDO:0004989, HP:0003002.

Allele frequency attached by ClinVar (database versions not stated): gnomAD 0.23716 and 0.23116; gnomAD exomes 0.27964; TOPMed 0.23829; ExAC 0.27793; 1000 Genomes Project 0.24940; 1000 Genomes Project 30x 0.25016.
gnomAD v4.1: 446,175 of 1,613,510 alleles (28%); highest among the groups gnomAD compares: South Asian, 35%; 63,594 homozygotes.

Submissions 1 to 19 of 41:

Evidence-based Network for the Interpretation of Germline Mutant Alleles (ENIGMA)
Classification: Benign for Breast-ovarian cancer, familial 2. Last evaluated: 2015-01-12. Review status: reviewed by expert panel. Criteria: ENIGMA BRCA1/2 Classification Criteria (2015). Collection method: curation. Allele origin: germline.
Comment: Class 1 not pathogenic based on frequency >1% in an outbred sampleset. Frequency 0.2552 (Asian), 0.09756 (African), 0.2876 (European), derived from 1000 genomes (2012-04-30).

Labcorp Genetics (formerly Invitae), Labcorp
Classification: Benign for Hereditary breast ovarian cancer syndrome. Last evaluated: 2026-02-04. Review status: criteria provided, single submitter. Criteria: Invitae Variant Classification Sherloc (09022015). Collection method: clinical testing. Allele origin: germline. Not counted in ClinVar's aggregate classification.

ARUP Laboratories, Molecular Genetics and Genomics, ARUP Laboratories
Classification: Benign. Last evaluated: 2025-07-30. Review status: criteria provided, single submitter. Criteria: ARUP Molecular Germline Variant Investigation Process 2024. Collection method: clinical testing. Allele origin: germline. Not counted in ClinVar's aggregate classification.

KCCC/NGS Laboratory, Kuwait Cancer Control Center
Classification: Benign for Familial cancer of breast. Last evaluated: 2025-02-01. Review status: criteria provided, single submitter. Criteria: ACMG Guidelines, 2015. Collection method: clinical testing. Allele origin: germline. Affected: no. Not counted in ClinVar's aggregate classification.

Blueprint Genetics
Classification: Likely benign. Last evaluated: 2024-11-27. Review status: criteria provided, single submitter. Criteria: ACMG Guidelines, 2015. Collection method: clinical testing. Allele origin: germline. Not counted in ClinVar's aggregate classification.

All of Us Research Program, National Institutes of Health
Classification: Benign for BRCA2-related cancer predisposition. Last evaluated: 2024-10-02. Review status: criteria provided, single submitter. Criteria: ACMG Guidelines, 2015. Collection method: clinical testing. Allele origin: germline. Inheritance: Autosomal dominant inheritance. Observed: 67,043 variant alleles, 56,001 heterozygotes, 11,032 homozygotes, 10 hemizygotes. Not counted in ClinVar's aggregate classification.
Comment: This study involves interpretation of variants in research participants for the purpose of population health screening. Participant phenotype was not available at the time of variant classification. Additional details can be found in publication PMID: 35346344, PMCID: PMC8962531

KCCC/NGS Laboratory, Kuwait Cancer Control Center
Classification: Benign for Breast-ovarian cancer, familial, susceptibility to, 2. Last evaluated: 2023-07-07. Review status: criteria provided, single submitter. Criteria: ACMG Guidelines, 2015. Collection method: clinical testing. Allele origin: germline. Affected: yes. Not counted in ClinVar's aggregate classification.

Fulgent Genetics
Classification: Benign for Familial cancer of breast; Medulloblastoma; Familial prostate cancer; Wilms tumor 1; Fanconi anemia complementation group D1; Breast-ovarian cancer, familial, susceptibility to, 2; Glioma susceptibility 3; Pancreatic cancer, susceptibility to, 2. Last evaluated: 2022-04-29. Review status: criteria provided, single submitter. Criteria: ACMG Guidelines, 2015. Collection method: clinical testing. Allele origin: unknown. Not counted in ClinVar's aggregate classification.

National Health Laboratory Service, Universitas Academic Hospital and University of the Free State
Classification: Benign for Hereditary breast ovarian cancer syndrome. Last evaluated: 2022-04-19. Review status: criteria provided, single submitter. Criteria: ACMG Guidelines, 2015. Collection method: clinical testing. Allele origin: germline. Affected: yes. Observed: 493 variant alleles. Not counted in ClinVar's aggregate classification.

Genetics Program, Instituto Nacional de Cancer
Classification: Benign for Hereditary breast ovarian cancer syndrome. Last evaluated: 2021-11-01. Review status: criteria provided, single submitter. Criteria: ACMG Guidelines, 2015. Collection method: research. Allele origin: germline. Affected: yes. Not counted in ClinVar's aggregate classification.

Genomic Research Center, Shahid Beheshti University of Medical Sciences
Classification: Benign for Breast-ovarian cancer, familial 2. Last evaluated: 2020-05-03. Review status: criteria provided, single submitter. Criteria: ACMG Guidelines, 2015. Collection method: clinical testing. Allele origin: unknown. Affected: yes. Not counted in ClinVar's aggregate classification.

Sema4
Classification: Benign for Hereditary cancer-predisposing syndrome. Last evaluated: 2020-01-17. Review status: criteria provided, single submitter. Criteria: Sema4 Curation Guidelines. Collection method: curation. Allele origin: germline. Not counted in ClinVar's aggregate classification.

Mendelics
Classification: Benign for Breast-ovarian cancer, familial, susceptibility to, 2. Last evaluated: 2019-05-28. Review status: criteria provided, single submitter. Criteria: Mendelics Assertion Criteria 2017. Collection method: clinical testing. Allele origin: unknown. Not counted in ClinVar's aggregate classification.

Ambry Genetics
Classification: Benign for Hereditary cancer-predisposing syndrome. Last evaluated: 2019-05-07. Review status: criteria provided, single submitter. Criteria: Ambry Variant Classification Scheme 2023. Collection method: clinical testing. Allele origin: germline. Not counted in ClinVar's aggregate classification.

Center for Medical Genomics, Faculty of Medicine, Ramathibodi Hospital, Mahidol University
Classification: Benign for Breast carcinoma. Last evaluated: 2019-04-18. Review status: criteria provided, single submitter. Criteria: ACMG Guidelines, 2015. Collection method: clinical testing. Allele origin: germline. Affected: yes. Not counted in ClinVar's aggregate classification.

GeneKor MSA
Classification: Benign. Last evaluated: 2017-11-01. Review status: criteria provided, single submitter. Criteria: ACMG Guidelines, 2015. Collection method: clinical testing. Allele origin: germline. Affected: yes. Not counted in ClinVar's aggregate classification.

Illumina Laboratory Services, Illumina
Classification: Benign for Fanconi anemia complementation group D1. Last evaluated: 2017-04-27. Review status: criteria provided, single submitter. Criteria: ICSL Variant Classification Criteria 13 December 2019. Collection method: clinical testing. Allele origin: germline. Not counted in ClinVar's aggregate classification.
Comment: This variant was observed as part of a predisposition screen in an ostensibly healthy population. A literature search was performed for the gene, cDNA change, and amino acid change (where applicable). No publications were found based on this search. Allele frequency data from public databases was too high to be consistent with this variant causing disease. Therefore, this variant is classified as benign.

Illumina Laboratory Services, Illumina
Classification: Benign for Breast-ovarian cancer, familial, susceptibility to, 2. Last evaluated: 2017-04-27. Review status: criteria provided, single submitter. Criteria: ICSL Variant Classification Criteria 13 December 2019. Collection method: clinical testing. Allele origin: germline. Not counted in ClinVar's aggregate classification.
Comment: the same text as in the submission from Illumina Laboratory Services, Illumina above.

Cancer Genetics and Genomics Laboratory, British Columbia Cancer Agency
Classification: Benign. Last evaluated: 2017-04-18. Review status: criteria provided, single submitter. Criteria: ACMG Guidelines, 2015. Collection method: clinical testing. Allele origin: germline. Study: The Canadian Open Genetics Repository (COGR). Not counted in ClinVar's aggregate classification.